The following is an entry in ClinVar:

ClinVar aggregate classification (germline): Uncertain significance (1 of 4 stars; one submission).

Submission:

GeneDx
Classification: Uncertain significance. Last evaluated: 2025-04-23. Review status: criteria provided, single submitter. Criteria: GeneDx Variant Classification Process June 2021. Collection method: clinical testing. Allele origin: germline. Affected: yes.
Comment: Not observed at significant frequency in large population cohorts (gnomAD); Missense variants in this gene are a common cause of disease and they are underrepresented in the general population; In silico analysis supports that this missense variant has a deleterious effect on protein structure/function; Has not been previously published as pathogenic or benign to our knowledge

NM_170665.4(ATP2A2):c.2734C>T (p.Leu912Phe)

Genes: ATP2A2 (ATPase sarcoplasmic/endoplasmic reticulum Ca2+ transporting 2; plus strand), LOC126861638 (MED14-independent group 3 enhancer GRCh37_chr12:110782389-110783588; plus strand). Cytogenetic location: 12q24.11.
Variant type: single nucleotide variant.
Coding change: c.2734C>T on transcript NM_170665.4 (MANE Select); coding-DNA position 2734, C replaced by T.
Protein change: p.Leu912Phe; replaces leucine 912 with phenylalanine.
Molecular consequence: missense variant.
Genome position (GRCh38, 1-based): chr12:110,345,375, C>T. VCF-style: chr12-110345375-C-T. GRCh37 (hg19) VCF-style: chr12-110783180-C-T.
Other names: c.2629C>T, p.Leu877Phe (NM_001413013.1); c.2734C>T, p.Leu912Phe (NM_001413014.1, NM_001681.4); c.2359C>T, p.Leu787Phe (NM_001413015.1); short protein forms L787F, L877F, L912F.
Identifiers: ClinVar variation 4527358 (VCV004527358.1).